The following is an entry in ClinVar:

ClinVar aggregate classification (germline): Likely benign. Review status: criteria provided, multiple submitters, no conflicts (2 of 4 stars). 3 submissions from 3 submitters: Likely benign (2). 1 of the submissions does not count toward it. Last evaluated 2026-03-01.

Conditions:
Tay-Sachs disease (TSD). Also called: HEXA Disorders; GM2 gangliosidosis, type 1; Hexosaminidase alpha-subunit deficiency (variant B); Sphingolipidosis, Tay-Sachs; Hexosaminidase A Deficiency; HEXA DEFICIENCY. Identifiers: Orphanet 845, MedGen C0039373, MONDO:0010100, OMIM 272800.

Allele frequency attached by ClinVar (database versions not stated): gnomAD exomes 0.00004 and 0.00013; ExAC 0.00005; gnomAD 0.00007 and 0.00008; ESP Exome Variant Server 0.00008; TOPMed 0.00008.
gnomAD v4.1: 209 of 1,614,134 alleles (0.013%); highest among the groups gnomAD compares: Non-Finnish European, 0.016%; no homozygotes.

Submissions (3):

CeGaT Center for Human Genetics Tuebingen
Classification: Likely benign. Last evaluated: 2026-03-01. Review status: criteria provided, single submitter. Criteria: CeGaT Center For Human Genetics Tuebingen Variant Classification Criteria Version 2. Collection method: clinical testing. Allele origin: germline. Affected: yes. Observed: 2 variant alleles.
Comment: HEXA: BP4, BP7

Labcorp Genetics (formerly Invitae), Labcorp
Classification: Likely benign for Tay-Sachs disease. Last evaluated: 2026-01-20. Review status: criteria provided, single submitter. Criteria: Invitae Variant Classification Sherloc (09022015). Collection method: clinical testing. Allele origin: germline.

Natera, Inc.
Classification: Uncertain significance for Tay-Sachs disease. Last evaluated: 2018-05-04. Review status: no assertion criteria provided. Collection method: clinical testing. Allele origin: germline. Not counted in ClinVar's aggregate classification.

NM_000520.6(HEXA):c.102C>T (p.Asp34=)

Gene: HEXA (hexosaminidase subunit alpha; minus strand). Cytogenetic location: 15q23.
Variant type: single nucleotide variant.
Coding change: c.102C>T on transcript NM_000520.6 (MANE Select); coding-DNA position 102, C replaced by T.
Protein change: p.Asp34=; no amino-acid change (aspartic acid 34 retained).
Molecular consequence: synonymous variant. On other transcripts: non-coding transcript variant (1).
Genome position (GRCh38, 1-based): chr15:72,375,871, G>A on the plus strand (C>T on the coding strand, the complement: HEXA is on the minus strand). VCF-style: chr15-72375871-G-A. GRCh37 (hg19) VCF-style: chr15-72668212-G-A.
Other names: c.102C>T, p.Asp34= (NM_001318825.2).
Identifiers: ClinVar variation 695525 (VCV000695525.39), dbSNP rs377310315, ClinGen allele CA7645113.